The following is an entry in ClinVar:

NM_000128.4(F11):c.1777A>G (p.Thr593Ala)

Genes: F11 (coagulation factor XI; plus strand), F11-AS1 (F11 antisense RNA 1; minus strand). Cytogenetic location: 4q35.2.
Variant type: single nucleotide variant.
Coding change: c.1777A>G on transcript NM_000128.4 (MANE Select); coding-DNA position 1777, A replaced by G.
Protein change: p.Thr593Ala; replaces threonine 593 with alanine.
Molecular consequence: missense variant. On other transcripts: non-coding transcript variant (1).
Genome position (GRCh38, 1-based): chr4:186,288,513, A>G. VCF-style: chr4-186288513-A-G. GRCh37 (hg19) VCF-style: chr4-187209667-A-G.
Other names: short protein forms T593A.
Identifiers: ClinVar variation 899997 (VCV000899997.7), dbSNP rs1741382224, ClinGen allele CA358946059.
Genomic context (GRCh38, chr4:186,288,513, plus strand): 5'-GGAGATTCGGGAGGCCCTCTGTCCTGCAAACACAATGAGGTCTGGCATCTGGTAGGCATC[A>G]CGAGCTGGGGCGAAGGCTGTGCTCAAAGGGAGCGGCCAGGTGTTTACACCAACGTGGTCG-3'
Protein context (NP_000119.1, residues 583-603): HNEVWHLVGI[Thr593Ala]SWGEGCAQRE

ClinVar aggregate classification (germline): Conflicting classifications of pathogenicity. Review status: criteria provided, conflicting classifications (1 of 4 stars). 2 submissions from 2 submitters: Likely pathogenic (1); Uncertain significance (1). Last evaluated 2023-09-19.

Conditions:
Hereditary factor XI deficiency disease. Also called: PLASMA THROMBOPLASTIN ANTECEDENT DEFICIENCY; PTA DEFICIENCY; ROSENTHAL SYNDROME; Congenital factor XI deficiency. Identifiers: Orphanet 329, MedGen C0015523, MeSH D005173, MONDO:0012897, OMIM 612416.

gnomAD v4.1: 28 of 1,614,168 alleles (0.0017%); highest among the groups gnomAD compares: Non-Finnish European, 0.0024%; no homozygotes.

Submissions (2):

Labcorp Genetics (formerly Invitae), Labcorp
Classification: Likely pathogenic. Last evaluated: 2023-09-19. Review status: criteria provided, single submitter. Criteria: Invitae Variant Classification Sherloc (09022015). Collection method: clinical testing. Allele origin: germline.
Comment: Advanced modeling of protein sequence and biophysical properties (such as structural, functional, and spatial information, amino acid conservation, physicochemical variation, residue mobility, and thermodynamic stability) performed at Invitae indicates that this missense variant is expected to disrupt F11 protein function. This variant disrupts the p.Thr593 amino acid residue in F11. Other variant(s) that disrupt this residue have been determined to be pathogenic (PMID: 14717969, 15749683, 27067486). This suggests that this residue is clinically significant, and that variants that disrupt this residue are likely to be disease-causing. In summary, the currently available evidence indicates that the variant is pathogenic, but additional data are needed to prove that conclusively. Therefore, this variant has been classified as Likely Pathogenic. ClinVar contains an entry for this variant (Variation ID: 899997). This variant has not been reported in the literature in individuals affected with F11-related conditions. This variant is not present in population databases (gnomAD no frequency). This sequence change replaces threonine, which is neutral and polar, with alanine, which is neutral and non-polar, at codon 593 of the F11 protein (p.Thr593Ala).

Illumina Laboratory Services, Illumina
Classification: Uncertain significance for Hereditary factor XI deficiency disease. Last evaluated: 2018-01-13. Review status: criteria provided, single submitter. Criteria: ICSL Variant Classification Criteria 13 December 2019. Collection method: clinical testing. Allele origin: germline.

Literature cited by the submitters: PubMed 14717969 (cited by Labcorp Genetics (formerly Invitae), Labcorp); PubMed 15749683 (cited by Labcorp Genetics (formerly Invitae), Labcorp); PubMed 27067486 (cited by Labcorp Genetics (formerly Invitae), Labcorp).